The following is an entry in ClinVar:

NM_000161.3(GCH1):c.369T>G (p.Asp123Glu)

Gene: GCH1 (GTP cyclohydrolase 1; minus strand). Cytogenetic location: 14q22.2.
Variant type: single nucleotide variant.
Coding change: c.369T>G on transcript NM_000161.3 (MANE Select); coding-DNA position 369, T replaced by G.
Protein change: p.Asp123Glu; replaces aspartic acid 123 with glutamic acid.
Molecular consequence: missense variant.
Genome position (GRCh38, 1-based): chr14:54,865,411, A>C on the plus strand (T>G on the coding strand, the complement: GCH1 is on the minus strand). VCF-style: chr14-54865411-A-C. GRCh37 (hg19) VCF-style: chr14-55332129-A-C.
Other names: c.369T>G, p.Asp123Glu (NM_001024024.2, NM_001024070.2, NM_001024071.2 and 1 more transcripts); c.75T>G, p.Asp25Glu (NM_001424105.1); short protein forms D123E, D25E.
Identifiers: ClinVar variation 3755687 (VCV003755687.2).

ClinVar aggregate classification (germline): Uncertain significance (1 of 4 stars; one submission).

Conditions:
GTP cyclohydrolase I deficiency. Identifiers: MedGen C0268467, MONDO:0100184.
Dystonia 5 (DRD). Also called: DYSTONIA, PROGRESSIVE, WITH DIURNAL VARIATION; DYSTONIA-PARKINSONISM WITH DIURNAL FLUCTUATION; GTP Cyclohydrolase 1-Deficient Dopa-Responsive Dystonia; Dystonia, DOPA-responsive, with or without hyperphenylalaninemia; DYT-GCH1. Identifiers: Orphanet 98808, MedGen C1851920, MONDO:0007495, OMIM 128230.

Submission:

Labcorp Genetics (formerly Invitae), Labcorp
Classification: Uncertain significance for GTP cyclohydrolase I deficiency; Dystonia 5. Last evaluated: 2024-04-25. Review status: criteria provided, single submitter. Criteria: Invitae Variant Classification Sherloc (09022015). Collection method: clinical testing. Allele origin: germline.
Comment: This sequence change replaces aspartic acid, which is acidic and polar, with glutamic acid, which is acidic and polar, at codon 123 of the GCH1 protein (p.Asp123Glu). This variant is not present in population databases (gnomAD no frequency). This variant has not been reported in the literature in individuals affected with GCH1-related conditions. Advanced modeling of protein sequence and biophysical properties (such as structural, functional, and spatial information, amino acid conservation, physicochemical variation, residue mobility, and thermodynamic stability) performed at Invitae indicates that this missense variant is not expected to disrupt GCH1 protein function with a negative predictive value of 80%. In summary, the available evidence is currently insufficient to determine the role of this variant in disease. Therefore, it has been classified as a Variant of Uncertain Significance.